The following is an entry in ClinVar:

NM_016122.3(CEP83):c.1180T>G (p.Leu394Val)

Gene: CEP83 (centrosomal protein 83; minus strand). Cytogenetic location: 12q22.
Variant type: single nucleotide variant.
Coding change: c.1180T>G on transcript NM_016122.3 (MANE Select); coding-DNA position 1180, T replaced by G.
Protein change: p.Leu394Val; replaces leucine 394 with valine.
Molecular consequence: missense variant. On other transcripts: non-coding transcript variant (1).
Genome position (GRCh38, 1-based): chr12:94,368,070, A>C on the plus strand (T>G on the coding strand, the complement: CEP83 is on the minus strand). VCF-style: chr12-94368070-A-C. GRCh37 (hg19) VCF-style: chr12-94761846-A-C.
Other names: c.1180T>G, p.Leu394Val (NM_001042399.2, NM_001346457.2, NM_001368037.1 and 1 more transcripts); c.868T>G, p.Leu290Val (NM_001346458.2, NM_001346459.2, NM_001368039.1 and 1 more transcripts); c.955T>G, p.Leu319Val (NM_001368041.1); c.1180T>G (NM_016122.2); short protein forms L394V, L319V, L290V.
Identifiers: ClinVar variation 2151274 (VCV002151274.3), dbSNP rs948909587, ClinGen allele CA242062015.
Genomic context (GRCh38, chr12:94,368,070, plus strand): 5'-TCATTTGCAAGGATATTTAAGTCAAACTAAGGTAATTAAGTACTTACTTTTCATCTTGTA[A>C]TACCACAAGTTTTTGATAACCTTCTTCTTTGGCAGCTTGTACTTTACGTATTAATTCACG-3'
Protein context (NP_057206.2, residues 384-404): KEEGYQKLVV[Leu394Val]QDEKLELENR

ClinVar aggregate classification (germline): Uncertain significance. Review status: criteria provided, multiple submitters, no conflicts (2 of 4 stars). 2 submissions from 2 submitters: Uncertain significance (2). Last evaluated 2024-08-05.

Conditions:
Inborn genetic diseases. Identifiers: MedGen C0950123, MeSH D030342.
Nephronophthisis 18 (NPHP18). Identifiers: Orphanet 655, MedGen C3890591, MONDO:0014374, OMIM 615862.

Allele frequency attached by ClinVar (database versions not stated): gnomAD 0.00001; gnomAD exomes 0.00001; TOPMed 0.00001.
gnomAD v4.1: 9 of 1,612,712 alleles (0.00056%); highest among the groups gnomAD compares: Non-Finnish European, 0.00076%; no homozygotes.

Submissions (2):

Ambry Genetics
Classification: Uncertain significance for Inborn genetic diseases. Last evaluated: 2024-08-05. Review status: criteria provided, single submitter. Criteria: Ambry Variant Classification Scheme 2023. Collection method: clinical testing. Allele origin: germline.

Labcorp Genetics (formerly Invitae), Labcorp
Classification: Uncertain significance for Nephronophthisis 18. Last evaluated: 2022-08-09. Review status: criteria provided, single submitter. Criteria: Invitae Variant Classification Sherloc (09022015). Collection method: clinical testing. Allele origin: germline.
Comment: This sequence change replaces leucine, which is neutral and non-polar, with valine, which is neutral and non-polar, at codon 394 of the CEP83 protein (p.Leu394Val). This variant is present in population databases (no rsID available, gnomAD 0.003%). This variant has not been reported in the literature in individuals affected with CEP83-related conditions. Algorithms developed to predict the effect of missense changes on protein structure and function are either unavailable or do not agree on the potential impact of this missense change (SIFT: "Not Available"; PolyPhen-2: "Benign"; Align-GVGD: "Not Available"). In summary, the available evidence is currently insufficient to determine the role of this variant in disease. Therefore, it has been classified as a Variant of Uncertain Significance.